The following is an entry in ClinVar:

NM_015346.4(ZFYVE26):c.7372-2A>G

Gene: ZFYVE26 (zinc finger FYVE-type containing 26; minus strand). Cytogenetic location: 14q24.1.
Variant type: single nucleotide variant.
Coding change: c.7372-2A>G on transcript NM_015346.4 (MANE Select); the canonical splice acceptor site of the intron before coding-DNA position 7372, A replaced by G.
Molecular consequence: splice acceptor variant.
Genome position (GRCh38, 1-based): chr14:67,751,098, T>C on the plus strand (A>G on the coding strand, the complement: ZFYVE26 is on the minus strand). VCF-style: chr14-67751098-T-C. GRCh37 (hg19) VCF-style: chr14-68217815-T-C.
Identifiers: ClinVar variation 3703774 (VCV003703774.2).

ClinVar aggregate classification (germline): Likely pathogenic (1 of 4 stars; one submission).

Conditions:
Spastic paraplegia. Identifiers: MedGen C0037772, HP:0001258.

gnomAD v4.1: 1 of 1,614,214 alleles (0.000062%); highest among the groups gnomAD compares: East Asian, 0.0022%; no homozygotes.

Submission:

Labcorp Genetics (formerly Invitae), Labcorp
Classification: Likely pathogenic for Spastic paraplegia. Last evaluated: 2024-02-09. Review status: criteria provided, single submitter. Criteria: Invitae Variant Classification Sherloc (09022015). Collection method: clinical testing. Allele origin: germline.
Comment: This sequence change affects an acceptor splice site in intron 40 of the ZFYVE26 gene. It is expected to disrupt RNA splicing. Variants that disrupt the donor or acceptor splice site typically lead to a loss of protein function (PMID: 16199547), and loss-of-function variants in ZFYVE26 are known to be pathogenic (PMID: 18394578, 19805727). This variant is not present in population databases (gnomAD no frequency). This variant has not been reported in the literature in individuals affected with ZFYVE26-related conditions. Algorithms developed to predict the effect of sequence changes on RNA splicing suggest that this variant may disrupt the consensus splice site. In summary, the currently available evidence indicates that the variant is pathogenic, but additional data are needed to prove that conclusively. Therefore, this variant has been classified as Likely Pathogenic.

Literature cited by the submitters: PubMed 16199547; PubMed 18394578; PubMed 19805727.